The following is an entry in ClinVar:

ClinVar aggregate classification (germline): Pathogenic (1 of 4 stars; one submission).

Conditions:
Optic neuropathy. Also called: Optic nerve disorder. Identifiers: MedGen C3887709, MONDO:0002135, HP:0001138.

Submission:

North West Genomic Laboratory Hub, Manchester University NHS Foundation Trust
Classification: Pathogenic for Optic neuropathy. Last evaluated: 2026-08-17. Review status: criteria provided, single submitter. Criteria: ACGS Best Practice Guidelines for Variant Classification in Rare Disease 2024. Collection method: clinical testing. Allele origin: germline. Affected: yes.
Comment: PM2_Mod PVS1_VStr PS1_Supp

NM_130837.3(OPA1):c.2102del (p.Asn700_Ser701insTer)

Gene: OPA1 (OPA1 mitochondrial dynamin like GTPase; plus strand). Cytogenetic location: 3q29.
Variant type: Deletion.
Coding change: c.2102del on transcript NM_130837.3 (MANE Select); coding-DNA position 2102, one base deleted (C; older notation c.2102delC).
Protein change: p.Asn700_Ser701insTer.
Molecular consequence: nonsense.
Genome position (GRCh38, 1-based): chr3:193,654,951, C deleted. VCF-style (leftmost placement, unchanged base first): chr3-193654950-TC-T. GRCh37 (hg19) VCF-style: chr3-193372739-TC-T.
Other names: c.1568del, p.Asn522_Ser523insTer (NM_001354663.2); c.1565del, p.Asn521_Ser522insTer (NM_001354664.2); c.1937del, p.Asn645_Ser646insTer (NM_015560.3); c.1829del, p.Asn609_Ser610insTer (NM_130831.3); c.1883del, p.Asn627_Ser628insTer (NM_130832.3); c.1940del, p.Asn646_Ser647insTer (NM_130833.3); c.1991del, p.Asn663_Ser664insTer (NM_130834.3); c.1994del, p.Asn664_Ser665insTer (NM_130835.3); and 1 more.
Identifiers: ClinVar variation 5038431 (VCV005038431.1).